The following is an entry in ClinVar:

NM_182519.3(BPIFB4):c.169+107T>G

Gene: BPIFB4 (BPI fold containing family B member 4; plus strand). Cytogenetic location: 20q11.21.
Variant type: single nucleotide variant.
Coding change: c.169+107T>G on transcript NM_182519.3 (MANE Select); 107 bases into the intron after coding-DNA position 169, T replaced by G.
Molecular consequence: intron variant.
Genome position (GRCh38, 1-based): chr20:33,083,107, T>G. VCF-style: chr20-33083107-T-G. GRCh37 (hg19) VCF-style: chr20-31670913-T-G.
Other names: NC_000020.10:g.31670913T>G.
Identifiers: ClinVar variation 2652264 (VCV002652264.25), dbSNP rs979395810, ClinGen allele CA313216939.

ClinVar aggregate classification (germline): Likely benign (1 of 4 stars; one submission).

Submissions (2):

CeGaT Center for Human Genetics Tuebingen
Classification: Likely benign. Last evaluated: 2022-11-01. Review status: criteria provided, single submitter. Criteria: CeGaT Center For Human Genetics Tuebingen Variant Classification Criteria Version 2. Collection method: clinical testing. Allele origin: germline. Affected: yes. Observed: 3 variant alleles.
Comment: BPIFB4: BP4, BP7

Dr. Peter K. Rogan Lab, Western University
No classification provided (evidence only). Condition: Gastric cancer. Review status: no classification provided. Collection method: in vitro. Allele origin: not applicable. Functional consequence: retained intron. Not counted in ClinVar's aggregate classification.